The following is an entry in ClinVar:

NM_003000.3(SDHB):c.603G>A (p.Trp201Ter)

Gene: SDHB (succinate dehydrogenase complex iron sulfur subunit B; minus strand). Cytogenetic location: 1p36.13.
Variant type: single nucleotide variant.
Coding change: c.603G>A on transcript NM_003000.3 (MANE Select); coding-DNA position 603, G replaced by A.
Protein change: p.Trp201Ter; replaces tryptophan 201 with a stop codon.
Molecular consequence: nonsense.
Genome position (GRCh38, 1-based): chr1:17,024,012, C>T on the plus strand (G>A on the coding strand, the complement: SDHB is on the minus strand). VCF-style: chr1-17024012-C-T. GRCh37 (hg19) VCF-style: chr1-17350507-C-T.
Other names: c.549G>A, p.Trp183Ter (NM_001407361.1); short protein forms W183*, W201*.
Identifiers: ClinVar variation 2674424 (VCV002674424.2), dbSNP rs2077977917, ClinGen allele CA338271046.

ClinVar aggregate classification (germline): Pathogenic. Review status: criteria provided, multiple submitters, no conflicts (2 of 4 stars). 2 submissions from 2 submitters: Pathogenic (2). Last evaluated 2023-09-01.

Conditions:
SDHB-related disorder. Also called: SDHB-related condition; SDHB-related disorders. Identifiers: MedGen CN239418.
Pheochromocytoma/paraganglioma syndrome 4. Also called: SDHB-Related Hereditary Paraganglioma-Pheochromocytoma Syndrome; CAROTID BODY TUMORS AND MULTIPLE EXTRAADRENAL PHEOCHROMOCYTOMAS; PARAGANGLIOMA, FAMILIAL MALIGNANT; PARAGANGLIOMAS, HEREDITARY EXTRAADRENAL; PHEOCHROMOCYTOMA, FAMILIAL EXTRAADRENAL; Paragangliomas 4. Identifiers: Orphanet 29072, MedGen C1861848, MONDO:0007273, OMIM 115310.

Submissions (2):

Blueprint Genetics
Classification: Pathogenic for SDHB-related disorders. Last evaluated: 2023-09-01. Review status: criteria provided, single submitter. Criteria: ACMG Guidelines, 2015. Collection method: clinical testing. Allele origin: germline. Affected: yes. Observed: 2 variant alleles.

Myriad Genetics, Inc.
Classification: Pathogenic for Pheochromocytoma/paraganglioma syndrome 4. Last evaluated: 2023-08-29. Review status: criteria provided, single submitter. Criteria: Myriad Autosomal Dominant, Autosomal Recessive and X-Linked Classification Criteria (2023). Collection method: clinical testing. Allele origin: unknown.
Comment: This variant is considered pathogenic. This variant creates a termination codon and is predicted to result in premature protein truncation.